The following is an entry in ClinVar:

NM_000135.4(FANCA):c.2818C>T (p.Gln940Ter)

Gene: FANCA (FA complementation group A; minus strand). Cytogenetic location: 16q24.3.
Variant type: single nucleotide variant.
Coding change: c.2818C>T on transcript NM_000135.4 (MANE Select); coding-DNA position 2818, C replaced by T.
Protein change: p.Gln940Ter; replaces glutamine 940 with a stop codon.
Molecular consequence: nonsense.
Genome position (GRCh38, 1-based): chr16:89,761,983, G>A on the plus strand (C>T on the coding strand, the complement: FANCA is on the minus strand). VCF-style: chr16-89761983-G-A. GRCh37 (hg19) VCF-style: chr16-89828391-G-A.
Other names: c.2818C>T, p.Gln940Ter (NM_001286167.3); short protein forms Q940*.
Identifiers: ClinVar variation 4849348 (VCV004849348.1).

ClinVar aggregate classification (germline): Likely pathogenic (1 of 4 stars; one submission).

Conditions:
Fanconi anemia complementation group A (FANCA). Also called: Fanconi anemia, group A; FANCA-Related Fanconi Anemia. Identifiers: Orphanet 84, MedGen C3469521, MONDO:0009215, OMIM 227650.

Submission:

First Genomix Gene Laboratory, Genetic Diagnostics Department
Classification: Likely pathogenic for Fanconi anemia complementation group A. Last evaluated: 2025-07-10. Review status: criteria provided, single submitter. Criteria: ACMG Guidelines, 2015. Collection method: clinical testing. Allele origin: germline. Inheritance: Autosomal recessive inheritance. Affected: no. Observed: 1 variant allele.